The following is an entry in ClinVar:

ClinVar aggregate classification (germline): Conflicting classifications of pathogenicity. Review status: criteria provided, conflicting classifications (1 of 4 stars). 3 submissions from 3 submitters: Uncertain significance (1); Benign (1); Likely benign (1). Last evaluated 2026-01-14.

Conditions:
Cardiovascular phenotype. Identifiers: MedGen CN230736.
Brugada syndrome. Also called: Sudden unexpected nocturnal death syndrome; Sudden unexplained nocturnal death syndrome; Sudden Unexplained Death Syndrome; Sudden Unexplained Nocturnal Death Syndrome (SUNDS). Identifiers: Orphanet 130, MedGen C1142166, MONDO:0015263.

Allele frequency attached by ClinVar (database versions not stated): gnomAD exomes 0.00002 and 0.00006; ExAC 0.00004; gnomAD 0.00004; TOPMed 0.00005.
gnomAD v4.1: 39 of 1,613,674 alleles (0.0024%); highest among the groups gnomAD compares: East Asian, 0.082%; no homozygotes.

Submissions (3):

Labcorp Genetics (formerly Invitae), Labcorp
Classification: Likely benign for Brugada syndrome. Last evaluated: 2026-01-14. Review status: criteria provided, single submitter. Criteria: Invitae Variant Classification Sherloc (09022015). Collection method: clinical testing. Allele origin: germline.

Ambry Genetics
Classification: Benign for Cardiovascular phenotype. Last evaluated: 2024-01-11. Review status: criteria provided, single submitter. Criteria: Ambry Variant Classification Scheme 2023. Collection method: clinical testing. Allele origin: germline.

GeneDx
Classification: Uncertain significance. Last evaluated: 2023-02-06. Review status: criteria provided, single submitter. Criteria: GeneDx Variant Classification Process June 2021. Collection method: clinical testing. Allele origin: germline. Affected: yes.
Comment: Identified in a patient with primary fibrotic atrial cardiomyopathy (PF-ACM) (Zhu et al., 2022); this patient harbored an additional cardiogenetic variant; In silico analysis supports that this missense variant does not alter protein structure/function; This variant is associated with the following publications: (PMID: 35063694)

NM_006514.4(SCN10A):c.349A>C (p.Asn117His)

Gene: SCN10A (sodium voltage-gated channel alpha subunit 10; minus strand). Cytogenetic location: 3p22.2.
Variant type: single nucleotide variant.
Coding change: c.349A>C on transcript NM_006514.4 (MANE Select); coding-DNA position 349, A replaced by C.
Protein change: p.Asn117His; replaces asparagine 117 with histidine.
Molecular consequence: missense variant.
Genome position (GRCh38, 1-based): chr3:38,792,090, T>G on the plus strand (A>C on the coding strand, the complement: SCN10A is on the minus strand). VCF-style: chr3-38792090-T-G. GRCh37 (hg19) VCF-style: chr3-38833581-T-G.
Other names: c.349A>C, p.Asn117His (NM_001293306.2, NM_001293307.2); c.349A>C (NM_006514.2); short protein forms N117H.
Identifiers: ClinVar variation 1055472 (VCV001055472.7), dbSNP rs774462243, ClinGen allele CA2321247.